The following is an entry in ClinVar:

NM_006269.2(RP1):c.5629A>G (p.Lys1877Glu)

Genes: RP1 (RP1 axonemal microtubule associated; plus strand), LOC126860392 (CDK7 strongly-dependent group 2 enhancer GRCh37_chr8:55541319-55542518; plus strand). Cytogenetic location: 8q12.1.
Variant type: single nucleotide variant.
Coding change: c.5629A>G on transcript NM_006269.2 (MANE Select); coding-DNA position 5629, A replaced by G.
Protein change: p.Lys1877Glu; replaces lysine 1877 with glutamic acid.
Molecular consequence: missense variant. On other transcripts: intron variant (1).
Genome position (GRCh38, 1-based): chr8:54,629,511, A>G. VCF-style: chr8-54629511-A-G. GRCh37 (hg19) VCF-style: chr8-55542071-A-G.
Other names: c.787+7223A>G (NM_001375654.1); short protein forms K1877E.
Identifiers: ClinVar variation 2891028 (VCV002891028.4), dbSNP rs1310092598, ClinGen allele CA370987492.

ClinVar aggregate classification (germline): Uncertain significance. Review status: criteria provided, multiple submitters, no conflicts (2 of 4 stars). 2 submissions from 2 submitters: Uncertain significance (2). Last evaluated 2024-11-05.

Allele frequency attached by ClinVar (database versions not stated): gnomAD exomes below 0.00001; gnomAD 0.00001; TOPMed 0.00002.
gnomAD v4.1: 4 of 1,614,010 alleles (0.00025%); highest among the groups gnomAD compares: Non-Finnish European, 0.00034%; no homozygotes.

Submissions (2):

Labcorp Genetics (formerly Invitae), Labcorp
Classification: Uncertain significance. Last evaluated: 2024-11-05. Review status: criteria provided, single submitter. Criteria: Invitae Variant Classification Sherloc (09022015). Collection method: clinical testing. Allele origin: germline.
Comment: This sequence change replaces lysine, which is basic and polar, with glutamic acid, which is acidic and polar, at codon 1877 of the RP1 protein (p.Lys1877Glu). This variant is not present in population databases (gnomAD no frequency). This variant has not been reported in the literature in individuals affected with RP1-related conditions. ClinVar contains an entry for this variant (Variation ID: 2891028). An algorithm developed to predict the effect of missense changes on protein structure and function (PolyPhen-2) suggests that this variant is likely to be disruptive. In summary, the available evidence is currently insufficient to determine the role of this variant in disease. Therefore, it has been classified as a Variant of Uncertain Significance.

Blueprint Genetics
Classification: Uncertain significance. Last evaluated: 2020-02-19. Review status: criteria provided, single submitter. Criteria: ACMG Guidelines, 2015. Collection method: clinical testing. Allele origin: germline.